The following is an entry in ClinVar:

ClinVar aggregate classification (germline): Uncertain significance (1 of 4 stars; one submission).

Conditions:
Primary ciliary dyskinesia. Also called: Ciliary dyskinesia. Identifiers: Orphanet 244, MedGen C0008780, MONDO:0016575, HP:0012265.

Allele frequency attached by ClinVar (database versions not stated): TOPMed below 0.00001; ExAC 0.00002.
gnomAD v4.1: 27 of 1,613,586 alleles (0.0017%); highest among the groups gnomAD compares: South Asian, 0.022%; no homozygotes.

Submission:

Labcorp Genetics (formerly Invitae), Labcorp
Classification: Uncertain significance for Primary ciliary dyskinesia. Last evaluated: 2022-12-06. Review status: criteria provided, single submitter. Criteria: Invitae Variant Classification Sherloc (09022015). Collection method: clinical testing. Allele origin: germline.
Comment: In summary, the available evidence is currently insufficient to determine the role of this variant in disease. Therefore, it has been classified as a Variant of Uncertain Significance. Algorithms developed to predict the effect of missense changes on protein structure and function (SIFT, PolyPhen-2, Align-GVGD) all suggest that this variant is likely to be tolerated. ClinVar contains an entry for this variant (Variation ID: 639326). This variant has not been reported in the literature in individuals affected with DNAAF1-related conditions. This variant is present in population databases (rs752852857, gnomAD 0.02%). This sequence change replaces glutamic acid, which is acidic and polar, with aspartic acid, which is acidic and polar, at codon 310 of the DNAAF1 protein (p.Glu310Asp).

NM_178452.6(DNAAF1):c.930G>C (p.Glu310Asp)

Gene: DNAAF1 (dynein axonemal assembly factor 1; plus strand). Cytogenetic location: 16q24.1.
Variant type: single nucleotide variant.
Coding change: c.930G>C on transcript NM_178452.6 (MANE Select); coding-DNA position 930, G replaced by C.
Protein change: p.Glu310Asp; replaces glutamic acid 310 with aspartic acid.
Molecular consequence: missense variant.
Genome position (GRCh38, 1-based): chr16:84,165,849, G>C. VCF-style: chr16-84165849-G-C. GRCh37 (hg19) VCF-style: chr16-84199455-G-C.
Other names: c.174G>C, p.Glu58Asp (NM_001318756.1); short protein forms E310D, E58D.
Identifiers: ClinVar variation 639326 (VCV000639326.11), dbSNP rs752852857, ClinGen allele CA8202664.